The following is an entry in ClinVar:

ClinVar aggregate classification (germline): Uncertain significance. Review status: criteria provided, multiple submitters, no conflicts (2 of 4 stars). 2 submissions from 2 submitters: Uncertain significance (2). Last evaluated 2026-02-11.

Conditions:
Hereditary cancer-predisposing syndrome. Also called: Tumor predisposition; Hereditary Cancer Syndrome; Hereditary neoplastic syndrome; Neoplastic Syndromes, Hereditary. Identifiers: Orphanet 140162, MedGen C0027672, MeSH D009386, MONDO:0015356.
POLD1-related polyposis and colorectal cancer syndrome (CRCS10). Also called: Colorectal cancer 10; COLORECTAL CANCER, SUSCEPTIBILITY TO, ON CHROMOSOME 19q; Colorectal cancer, susceptibility to, 10. Identifiers: Orphanet 220460, MedGen C2675481, MONDO:0012953, OMIM 612591.

Submissions (2):

Ambry Genetics
Classification: Uncertain significance for Hereditary cancer-predisposing syndrome. Last evaluated: 2026-02-11. Review status: criteria provided, single submitter. Criteria: Ambry Variant Classification Scheme 2023. Collection method: clinical testing. Allele origin: germline.
Comment: The c.1893-5C>G intronic variant results from a C to G substitution 5 nucleotides upstream from coding exon 15 in the POLD1 gene. This nucleotide position is well conserved in available vertebrate species. In silico splice site analysis predicts that this alteration will result in the creation or strengthening of a novel splice acceptor site. Based on the available evidence, the clinical significance of this variant remains unclear.

Labcorp Genetics (formerly Invitae), Labcorp
Classification: Uncertain significance for POLD1-related polyposis and colorectal cancer syndrome. Last evaluated: 2025-12-10. Review status: criteria provided, single submitter. Criteria: Invitae Variant Classification Sherloc (09022015). Collection method: clinical testing. Allele origin: germline.
Comment: This sequence change falls in intron 15 of the POLD1 gene. It does not directly change the encoded amino acid sequence of the POLD1 protein. This variant is not present in population databases (gnomAD no frequency). This variant has not been reported in the literature in individuals affected with POLD1-related conditions. ClinVar contains an entry for this variant (Variation ID: 1045523). Studies have shown that this variant is associated with altered splicing resulting in multiple RNA products (internal data). In summary, the available evidence is currently insufficient to determine the role of this variant in disease. Therefore, it has been classified as a Variant of Uncertain Significance.

NM_002691.4(POLD1):c.1893-5C>G

Gene: POLD1 (DNA polymerase delta 1, catalytic subunit; plus strand). Cytogenetic location: 19q13.33.
Variant type: single nucleotide variant.
Coding change: c.1893-5C>G on transcript NM_002691.4 (MANE Select); 5 bases into the intron before coding-DNA position 1893, C replaced by G.
Molecular consequence: intron variant.
Genome position (GRCh38, 1-based): chr19:50,409,117, C>G. VCF-style: chr19-50409117-C-G. GRCh37 (hg19) VCF-style: chr19-50912374-C-G.
Other names: c.1893-5C>G (NM_001256849.1, NM_002691.2); c.1971-5C>G (NM_001308632.1).
Identifiers: ClinVar variation 1045523 (VCV001045523.9), dbSNP rs2039002295, ClinGen allele CA2340886697.